The following is an entry in ClinVar:

ClinVar aggregate classification (germline): Uncertain significance (1 of 4 stars; one submission).

Conditions:
Joubert syndrome 21 (JBTS21). Identifiers: MedGen C3810212, MONDO:0014288, OMIM 615636.

gnomAD v4.1: 3 of 1,613,502 alleles (0.00019%); highest among the groups gnomAD compares: Non-Finnish European, 0.00025%; no homozygotes.

Submission:

Labcorp Genetics (formerly Invitae), Labcorp
Classification: Uncertain significance for Joubert syndrome 21. Last evaluated: 2022-02-24. Review status: criteria provided, single submitter. Criteria: Invitae Variant Classification Sherloc (09022015). Collection method: clinical testing. Allele origin: germline.
Comment: This sequence change replaces threonine, which is neutral and polar, with isoleucine, which is neutral and non-polar, at codon 1005 of the CSPP1 protein (p.Thr1005Ile). This variant is not present in population databases (gnomAD no frequency). This variant has not been reported in the literature in individuals affected with CSPP1-related conditions. Algorithms developed to predict the effect of missense changes on protein structure and function are either unavailable or do not agree on the potential impact of this missense change (SIFT: "Tolerated"; PolyPhen-2: "Probably Damaging"; Align-GVGD: "Class C0"). In summary, the available evidence is currently insufficient to determine the role of this variant in disease. Therefore, it has been classified as a Variant of Uncertain Significance.

NM_001382391.1(CSPP1):c.3029C>T (p.Thr1010Ile)

Genes: ARFGEF1 (ARF guanine nucleotide exchange factor 1; minus strand), CSPP1 (centrosome and spindle pole associated protein 1; plus strand). Cytogenetic location: 8q13.2.
Variant type: single nucleotide variant.
Coding change: c.3029C>T on transcript NM_001382391.1 (MANE Select); coding-DNA position 3029, C replaced by T.
Protein change: p.Thr1010Ile; replaces threonine 1010 with isoleucine.
Molecular consequence: missense variant. On other transcripts: 3 prime UTR variant (2).
Genome position (GRCh38, 1-based): chr8:67,175,356, C>T. VCF-style: chr8-67175356-C-T. GRCh37 (hg19) VCF-style: chr8-68087591-C-T.
Other names: c.*199G>A (NM_001413186.1, NM_001413187.1); c.1979C>T, p.Thr660Ile (NM_001291339.2); c.2948C>T, p.Thr983Ile (NM_001363131.2); c.2834C>T, p.Thr945Ile (NM_001363132.2); c.2753C>T, p.Thr918Ile (NM_001363133.2); c.3095C>T, p.Thr1032Ile (NM_001364869.1); c.2915C>T, p.Thr972Ile (NM_001364870.1); c.2861C>T, p.Thr954Ile (NM_001438330.1); and 2 more; short protein forms T1010I, T1005I, T918I, T972I, T660I, T1032I, T945I, T983I.
Identifiers: ClinVar variation 1353651 (VCV001353651.7), dbSNP rs750443075, ClinGen allele CA371197381.
Genomic context (GRCh38, chr8:67,175,356, plus strand): 5'-ATTCAGAAACACGAGTTGATCTGAAATTTATGTACCTGGATCCTCCAAGAGATCATCACA[C>T]CTTAGAGATTCAGCAGCAAGCCCTGCTAAGAGAGCAGCAGAAGAGGCTGAACAGAATAAA-3'
Protein context (NP_001369320.1, residues 1000-1020): MYLDPPRDHH[Thr1010Ile]LEIQQQALLR